The following is an entry in ClinVar:

NM_002047.4(GARS1):c.1312G>A (p.Ala438Thr)

Gene: GARS1 (glycyl-tRNA synthetase 1; plus strand). Cytogenetic location: 7p14.3.
Variant type: single nucleotide variant.
Coding change: c.1312G>A on transcript NM_002047.4 (MANE Select); coding-DNA position 1312, G replaced by A.
Protein change: p.Ala438Thr; replaces alanine 438 with threonine.
Molecular consequence: missense variant.
Genome position (GRCh38, 1-based): chr7:30,617,231, G>A. VCF-style: chr7-30617231-G-A. GRCh37 (hg19) VCF-style: chr7-30656847-G-A.
Other names: c.1150G>A, p.Ala384Thr (NM_001316772.1); short protein forms A384T, A438T.
Identifiers: ClinVar variation 1799878 (VCV001799878.5), dbSNP rs1290467585, ClinGen allele CA367127378.

ClinVar aggregate classification (germline): Uncertain significance. Review status: criteria provided, multiple submitters, no conflicts (2 of 4 stars). 2 submissions from 2 submitters: Uncertain significance (2). Last evaluated 2025-08-11.

Conditions:
Charcot-Marie-Tooth disease type 2. Also called: Charcot-Marie-Tooth type 2. Identifiers: Orphanet 64746, MedGen C0270914, MONDO:0018993.

Allele frequency attached by ClinVar (database versions not stated): TOPMed below 0.00001.

Submissions (2):

Labcorp Genetics (formerly Invitae), Labcorp
Classification: Uncertain significance for Charcot-Marie-Tooth disease type 2. Last evaluated: 2025-08-11. Review status: criteria provided, single submitter. Criteria: Invitae Variant Classification Sherloc (09022015). Collection method: clinical testing. Allele origin: germline.
Comment: This sequence change replaces alanine, which is neutral and non-polar, with threonine, which is neutral and polar, at codon 438 of the GARS protein (p.Ala438Thr). This variant is not present in population databases (gnomAD no frequency). This variant has not been reported in the literature in individuals affected with GARS-related conditions. ClinVar contains an entry for this variant (Variation ID: 1799878). Invitae Evidence Modeling of protein sequence and biophysical properties (such as structural, functional, and spatial information, amino acid conservation, physicochemical variation, residue mobility, and thermodynamic stability) indicates that this missense variant is expected to disrupt GARS protein function with a positive predictive value of 80%. In summary, the available evidence is currently insufficient to determine the role of this variant in disease. Therefore, it has been classified as a Variant of Uncertain Significance.

Ambry Genetics
Classification: Uncertain significance. Last evaluated: 2024-12-03. Review status: criteria provided, single submitter. Criteria: Ambry Variant Classification Scheme 2023. Collection method: clinical testing. Allele origin: germline.